The following is an entry in ClinVar:

NM_153704.6(TMEM67):c.720T>C (p.Tyr240=)

Gene: TMEM67 (transmembrane protein 67; plus strand). Cytogenetic location: 8q22.1.
Variant type: single nucleotide variant.
Coding change: c.720T>C on transcript NM_153704.6 (MANE Select); coding-DNA position 720, T replaced by C.
Protein change: p.Tyr240=; no amino-acid change (tyrosine 240 retained).
Molecular consequence: synonymous variant. On other transcripts: non-coding transcript variant (1).
Genome position (GRCh38, 1-based): chr8:93,780,598, T>C. VCF-style: chr8-93780598-T-C. GRCh37 (hg19) VCF-style: chr8-94792826-T-C.
Other names: c.477T>C, p.Tyr159= (NM_001142301.1).
Identifiers: ClinVar variation 2091423 (VCV002091423.5), dbSNP rs2536841523, ClinGen allele CA461855641.

ClinVar aggregate classification (germline): Likely benign. Review status: criteria provided, multiple submitters, no conflicts (2 of 4 stars). 2 submissions from 2 submitters: Likely benign (2). Last evaluated 2025-08-24.

Conditions:
TMEM67-related disorder. Also called: TMEM67-related condition; TMEM67-related disorders. Identifiers: MedGen CN239423.
Joubert syndrome. Also called: JOUBERT-BOLTSHAUSER SYNDROME; Familial aplasia of the vermis. Identifiers: Orphanet 475, MedGen C5979921, MONDO:0018772.
Meckel-Gruber syndrome. Also called: DYSENCEPHALIA SPLANCHNOCYSTICA; GRUBER SYNDROME; Dysencephalia splachnocystica. Identifiers: Orphanet 564, MedGen C0265215, MONDO:0018921.

Allele frequency attached by ClinVar (database versions not stated): gnomAD exomes 0.00001.
gnomAD v4.1: 4 of 1,614,124 alleles (0.00025%); highest among the groups gnomAD compares: South Asian, 0.0011%; no homozygotes.

Submissions (2):

PreventionGenetics, part of Exact Sciences
Classification: Likely benign for TMEM67-related condition. Last evaluated: 2025-08-24. Review status: criteria provided, single submitter. Criteria: ACMG Guidelines, 2015. Collection method: clinical testing. Allele origin: germline.
Comment: This variant is classified as likely benign based on ACMG/AMP sequence variant interpretation guidelines (Richards et al. 2015 PMID: 25741868, with internal and published modifications).

Labcorp Genetics (formerly Invitae), Labcorp
Classification: Likely benign for Joubert syndrome; Meckel-Gruber syndrome. Last evaluated: 2024-11-11. Review status: criteria provided, single submitter. Criteria: Invitae Variant Classification Sherloc (09022015). Collection method: clinical testing. Allele origin: germline.